The following is an entry in ClinVar:

ClinVar aggregate classification (germline): Conflicting classifications of pathogenicity. Review status: criteria provided, conflicting classifications (1 of 4 stars). 7 submissions from 7 submitters: Pathogenic (5); Likely pathogenic (1); Uncertain significance (1). Last evaluated 2025-12-23.

Conditions:
ECHS1-related disorders.
Mitochondrial short-chain Enoyl-Coa hydratase 1 deficiency. Also called: ECHS1 deficiency; Mitochondrial Short-Chain Enoyl-CoA Hydratase Deficiency; PxMD-ECHS1. Identifiers: Orphanet 255241, Orphanet 653880, MedGen C4225391, MONDO:0014563, OMIM 616277.
Inborn genetic diseases. Identifiers: MedGen C0950123, MeSH D030342.

Submissions (7):

Labcorp Genetics (formerly Invitae), Labcorp
Classification: Pathogenic. Last evaluated: 2025-12-23. Review status: criteria provided, single submitter. Criteria: Invitae Variant Classification Sherloc (09022015). Collection method: clinical testing. Allele origin: germline.
Comment: This sequence change creates a premature translational stop signal (p.Tyr137Cysfs*7) in the ECHS1 gene. It is expected to result in an absent or disrupted protein product. Loss-of-function variants in ECHS1 are known to be pathogenic (PMID: 25393721, 26000322, 27090768). This variant is present in population databases (rs777218310, gnomAD 0.02%). This variant has not been reported in the literature in individuals affected with ECHS1-related conditions. ClinVar contains an entry for this variant (Variation ID: 418830). For these reasons, this variant has been classified as Pathogenic.

GeneDx
Classification: Uncertain significance. Last evaluated: 2023-10-10. Review status: criteria provided, single submitter. Criteria: GeneDx Variant Classification Process June 2021. Collection method: clinical testing. Allele origin: germline. Affected: yes.
Comment: Reported in another patient with mitochondrial short chain enoyl-CoA hydratase 1 deficiency who was also heterozygous for another variant in ECHS1 (Aljishi et al., 2019); Frameshift variant predicted to result in protein truncation or nonsense mediated decay in a gene for which loss-of-function is a known mechanism of disease; This variant is associated with the following publications: (PMID: 28755360, 28409271, 28106320, 27905109, 28202214, 28039521, 27221955, 27090768, 26920905, 26099313, 26081110, 26000322, 25393721, 25125611, Aljishi2019[casereport], 31216405)

Athena Diagnostics
Classification: Pathogenic. Last evaluated: 2021-08-20. Review status: criteria provided, single submitter. Criteria: Athena Diagnostics Criteria. Collection method: clinical testing. Allele origin: unknown.
Comment: This variant is expected to result in the loss of a functional protein. The frequency of this variant in the general population is consistent with pathogenicity. This variant has been identified in at least one individual tested at Athena Diagnostics with clinical features associated with this gene.This observation is not an independent occurrence and has been identified in the same individual by RCIGM, the other laboratory participating in the GEMINI study.

AiLife Diagnostics
Classification: Pathogenic. Last evaluated: 2021-07-07. Review status: criteria provided, single submitter. Criteria: ACMG Guidelines, 2015. Collection method: clinical testing. Allele origin: germline. Affected: yes. Observed: 1 variant allele.

Blueprint Genetics
Classification: Likely pathogenic for ECHS1-related disorders. Last evaluated: 2020-01-14. Review status: criteria provided, single submitter. Criteria: ACMG Guidelines, 2015. Collection method: clinical testing. Allele origin: germline. Affected: yes. Observed: 1 variant allele.

Baylor Genetics
Classification: Pathogenic for Mitochondrial short-chain Enoyl-Coa hydratase 1 deficiency. Last evaluated: 2017-12-31. Review status: criteria provided, single submitter. Criteria: ACMG Guidelines, 2015. Collection method: clinical testing. Allele origin: germline. Affected: yes.

Ambry Genetics
Classification: Pathogenic for Inborn genetic diseases. Last evaluated: 2017-10-03. Review status: criteria provided, single submitter. Criteria: Ambry exome assertion method (8-5-2015). Collection method: clinical testing. Allele origin: germline. Affected: yes. Observed: 1 variant allele.

Literature cited by the submitters: PubMed 25393721 (cited by Labcorp Genetics (formerly Invitae), Labcorp); PubMed 26000322 (cited by Labcorp Genetics (formerly Invitae), Labcorp); PubMed 27090768 (cited by Labcorp Genetics (formerly Invitae), Labcorp); PubMed 31216405 (cited by AiLife Diagnostics).

NM_004092.4(ECHS1):c.410_411del (p.Tyr137fs)

Gene: ECHS1 (enoyl-CoA hydratase, short chain 1; minus strand). Cytogenetic location: 10q26.3.
Variant type: Deletion.
Coding change: c.410_411del on transcript NM_004092.4 (MANE Select); coding-DNA positions 410 to 411, 2 bases deleted (AT; older notation c.410_411delAT).
Protein change: p.Tyr137fs; shifts the reading frame from tyrosine 137.
Molecular consequence: frameshift variant.
Genome position (GRCh38, 1-based): chr10:133,369,907-133,369,908, AT deleted on the plus strand (AT on the coding strand, the reverse complement: ECHS1 is on the minus strand); deleting any 2 consecutive bases within chr10:133,369,907-133,369,909 gives the same sequence; the c. name uses the placement nearest the transcript's 3' end. VCF-style (leftmost placement, unchanged base first): chr10-133369906-CAT-C. GRCh37 (hg19) VCF-style: chr10-135183410-CAT-C.
Other names: c.410_411delAT (NM_004092.3); short protein forms Y137fs.
Identifiers: ClinVar variation 418830 (VCV000418830.16), dbSNP rs777218310, ClinGen allele CA5765799.